The following is an entry in ClinVar:

ClinVar aggregate classification (germline): Likely pathogenic (1 of 4 stars; one submission).

Conditions:
Hypertrophic cardiomyopathy. Also called: HYPERTROPHIC MYOCARDIOPATHY. Identifiers: Orphanet 217569, MedGen C0007194, MeSH D002312, MONDO:0005045, HP:0001639.

Submission:

Labcorp Genetics (formerly Invitae), Labcorp
Classification: Likely pathogenic for Hypertrophic cardiomyopathy. Last evaluated: 2019-10-25. Review status: criteria provided, single submitter. Criteria: Invitae Variant Classification Sherloc (09022015). Collection method: clinical testing. Allele origin: germline.
Comment: This variant results in the deletion of part of exon 16 (c.1352-2_1355del) of the MYBPC3 gene. It is expected to disrupt RNA splicing and likely results in an absent or disrupted protein product. This variant has not been reported in the literature in individuals with MYBPC3-related conditions. Loss-of-function variants in MYBPC3 are known to be pathogenic (PMID: 19574547). In summary, the currently available evidence indicates that the variant is pathogenic, but additional data are needed to prove that conclusively. Therefore, this variant has been classified as Likely Pathogenic.

Literature cited by the submitters: PubMed 19574547.

NM_000256.3(MYBPC3):c.1352-2_1355del

Gene: MYBPC3 (myosin binding protein C3; minus strand). Cytogenetic location: 11p11.2.
Variant type: Deletion.
Coding change: c.1352-2_1355del on transcript NM_000256.3 (MANE Select); the canonical splice acceptor site of the intron before coding-DNA position 1352 through coding-DNA position 1355, 6 bases deleted (AGAGCC; older notation c.1352-2_1355delAGAGCC).
Molecular consequence: splice acceptor variant.
Genome position (GRCh38, 1-based): chr11:47,342,932-47,342,937, GGCTCT deleted on the plus strand (AGAGCC on the coding strand, the reverse complement: MYBPC3 is on the minus strand); deleting any 6 consecutive bases within chr11:47,342,932-47,342,938 gives the same sequence; the c. name uses the placement nearest the transcript's 3' end. VCF-style (leftmost placement, unchanged base first): chr11-47342931-GGGCTCT-G. GRCh37 (hg19) VCF-style: chr11-47364482-GGGCTCT-G.
Identifiers: ClinVar variation 941281 (VCV000941281.7), dbSNP rs2095890510, ClinGen allele CA1139661935.
Genomic context (GRCh38, chr11:47,342,931, plus strand): 5'-CTCCACCCGCTGCCCCACCATCACCAGCTGGTCCTCCAAGGGGCGCGTGATGAGCACAGG[GGGCTCT>G]GTCCAGGCAGGGTGAGCATGAGGGTTGGCTCCCCTGAGGCCATCTCCTCCCCAGGTTCCC-3'